The following is an entry in ClinVar:

NM_201599.3(ZMYM3):c.2379G>A (p.Val793=)

Gene: ZMYM3 (zinc finger MYM-type containing 3; minus strand). Cytogenetic location: Xq13.1.
Variant type: single nucleotide variant.
Coding change: c.2379G>A on transcript NM_201599.3 (MANE Select); coding-DNA position 2379, G replaced by A.
Protein change: p.Val793=; no amino-acid change (valine 793 retained).
Molecular consequence: synonymous variant. On other transcripts: intron variant (1).
Genome position (GRCh38, 1-based): chrX:71,246,628, C>T on the plus strand (G>A on the coding strand, the complement: ZMYM3 is on the minus strand). VCF-style: chrX-71246628-C-T. GRCh37 (hg19) VCF-style: chrX-70466478-C-T.
Other names: c.2379G>A, p.Val793= (NM_005096.3); c.2376+3G>A (NM_001171162.1).
Identifiers: ClinVar variation 3600732 (VCV003600732.3).

ClinVar aggregate classification (germline): Uncertain significance. Review status: criteria provided, multiple submitters, no conflicts (2 of 4 stars). 2 submissions from 2 submitters: Uncertain significance (2). Last evaluated 2026-03-25.

Submissions (2):

Dasa
Classification: Uncertain significance. Last evaluated: 2026-03-25. Review status: criteria provided, single submitter. Criteria: DASA Assertion Criteria. Collection method: clinical testing. Allele origin: germline.
Comment: NM_001171162.1(ZMYM3):c.2376+3G>A is a splice-region variant. This variant is rare in population databases. Computational prediction algorithms are consistent with a deleterious effect. The currently available literature and clinical evidence are not sufficient to establish a definitive association between this variant and the reported condition. Therefore, this variant is classified as a variant of uncertain significance.

GeneDx
Classification: Uncertain significance. Last evaluated: 2024-07-22. Review status: criteria provided, single submitter. Criteria: GeneDx Variant Classification Process June 2021. Collection method: clinical testing. Allele origin: germline. Affected: yes.
Comment: Not observed at significant frequency in large population cohorts (gnomAD); In silico analysis supports a deleterious effect on splicing; Has not been previously published as pathogenic or benign to our knowledge